The following is an entry in ClinVar:

NM_018706.7(DHTKD1):c.677G>A (p.Arg226Lys)

Gene: DHTKD1 (dehydrogenase E1 and transketolase domain containing 1; plus strand). Cytogenetic location: 10p14.
Variant type: single nucleotide variant.
Coding change: c.677G>A on transcript NM_018706.7 (MANE Select); coding-DNA position 677, G replaced by A.
Protein change: p.Arg226Lys; replaces arginine 226 with lysine.
Molecular consequence: missense variant.
Genome position (GRCh38, 1-based): chr10:12,087,689, G>A. VCF-style: chr10-12087689-G-A. GRCh37 (hg19) VCF-style: chr10-12129688-G-A.
Other names: short protein forms R226K.
Identifiers: ClinVar variation 1338993 (VCV001338993.2), dbSNP rs775851398, ClinGen allele CA5407604.

ClinVar aggregate classification (germline): Uncertain significance (1 of 4 stars; one submission).

Conditions:
Charcot-Marie-Tooth disease axonal type 2Q. Also called: CHARCOT-MARIE-TOOTH NEUROPATHY, TYPE 2Q; CHARCOT-MARIE-TOOTH DISEASE, AXONAL, AUTOSOMAL DOMINANT, TYPE 2Q. Identifiers: Orphanet 329258, MedGen C3554366, MONDO:0014012, OMIM 615025.

Allele frequency attached by ClinVar (database versions not stated): gnomAD exomes 0.00001; ExAC 0.00002.
gnomAD v4.1: 5 of 1,610,524 alleles (0.00031%); highest among the groups gnomAD compares: South Asian, 0.0055%; no homozygotes.

Submission:

Neuberg Centre For Genomic Medicine, NCGM
Classification: Uncertain significance for Charcot-Marie-Tooth disease axonal type 2Q. Review status: criteria provided, single submitter. Criteria: ACMG Guidelines, 2015. Collection method: clinical testing. Allele origin: germline. Affected: yes.
Comment: The missense variant p.R226K in DHTKD1 (NM_018706.7) has not been reported previously as a pathogenic variant nor as a benign variant, to our knowledge. The p.R226K variant is observed in 2/29,904 (0.0067%) alleles from individuals of South Asian background in gnomAD Exomes and is novel (not in any individuals) in 1000 Genomes. There is a small physicochemical difference between arginine and lysine, which is not likely to impact secondary protein structure as these residues share similar properties. The p.R226K missense variant is predicted to be damaging by both SIFT and PolyPhen2. The arginine residue at codon 226 of DHTKD1 is conserved in all mammalian species. The nucleotide c.677 in DHTKD1 is predicted conserved by GERP++ and PhyloP across 100 vertebrates. For these reasons, this variant has been classified as Uncertain Significance.